The following is an entry in ClinVar:

NM_001127208.3(TET2):c.5547C>G (p.Asp1849Glu)

Genes: TET2 (tet methylcytosine dioxygenase 2; plus strand), TET2-AS1 (TET2 antisense RNA 1; minus strand). Cytogenetic location: 4q24.
Variant type: single nucleotide variant.
Coding change: c.5547C>G on transcript NM_001127208.3 (MANE Select); coding-DNA position 5547, C replaced by G.
Protein change: p.Asp1849Glu; replaces aspartic acid 1849 with glutamic acid.
Molecular consequence: missense variant.
Genome position (GRCh38, 1-based): chr4:105,276,057, C>G. VCF-style: chr4-105276057-C-G. GRCh37 (hg19) VCF-style: chr4-106197214-C-G.
Other names: short protein forms D1849E.
Identifiers: ClinVar variation 4810640 (VCV004810640.1).

ClinVar aggregate classification (germline): Uncertain significance (1 of 4 stars; one submission).

gnomAD v4.1: 1 of 1,551,686 alleles (0.000064%); highest among the groups gnomAD compares: Non-Finnish European, 0.000087%; no homozygotes.

Submission:

Labcorp Genetics (formerly Invitae), Labcorp
Classification: Uncertain significance. Last evaluated: 2026-01-08. Review status: criteria provided, single submitter. Criteria: Invitae Variant Classification Sherloc (09022015). Collection method: clinical testing. Allele origin: germline.
Comment: This sequence change replaces aspartic acid, which is acidic and polar, with glutamic acid, which is acidic and polar, at codon 1849 of the TET2 protein (p.Asp1849Glu). This variant is not present in population databases (gnomAD no frequency). This variant has not been reported in the literature in individuals affected with TET2-related conditions. An algorithm developed to predict the effect of missense changes on protein structure and function (PolyPhen-2) suggests that this variant is likely to be disruptive. In summary, the available evidence is currently insufficient to determine the role of this variant in disease. Therefore, it has been classified as a Variant of Uncertain Significance.